The following is an entry in ClinVar:

ClinVar aggregate classification (germline): Uncertain significance. Review status: criteria provided, multiple submitters, no conflicts (2 of 4 stars). 2 submissions from 2 submitters: Uncertain significance (2). Last evaluated 2026-01-21.

Submissions (2):

Labcorp Genetics (formerly Invitae), Labcorp
Classification: Uncertain significance. Last evaluated: 2026-01-21. Review status: criteria provided, single submitter. Criteria: Invitae Variant Classification Sherloc (09022015). Collection method: clinical testing. Allele origin: germline.
Comment: This sequence change replaces leucine, which is neutral and non-polar, with valine, which is neutral and non-polar, at codon 18 of the RNF113A protein (p.Leu18Val). This variant is present in population databases (no rsID available, gnomAD 0.003%). This variant has not been reported in the literature in individuals affected with RNF113A-related conditions. ClinVar contains an entry for this variant (Variation ID: 3789499). Invitae Evidence Modeling of protein sequence and biophysical properties (such as structural, functional, and spatial information, amino acid conservation, physicochemical variation, residue mobility, and thermodynamic stability) indicates that this missense variant is not expected to disrupt RNF113A protein function with a negative predictive value of 80%. In summary, the available evidence is currently insufficient to determine the role of this variant in disease. Therefore, it has been classified as a Variant of Uncertain Significance.

Ambry Genetics
Classification: Uncertain significance. Last evaluated: 2024-12-11. Review status: criteria provided, single submitter. Criteria: Ambry Variant Classification Scheme 2023. Collection method: clinical testing. Allele origin: germline.

NM_006978.3(RNF113A):c.52C>G (p.Leu18Val)

Genes: RNF113A (ring finger protein 113A; minus strand), LOC130068621 (ATAC-STARR-seq lymphoblastoid active region 29902; plus strand). Cytogenetic location: Xq24.
Variant type: single nucleotide variant.
Coding change: c.52C>G on transcript NM_006978.3 (MANE Select); coding-DNA position 52, C replaced by G.
Protein change: p.Leu18Val; replaces leucine 18 with valine.
Molecular consequence: missense variant.
Genome position (GRCh38, 1-based): chrX:119,871,562, G>C on the plus strand (C>G on the coding strand, the complement: RNF113A is on the minus strand). VCF-style: chrX-119871562-G-C. GRCh37 (hg19) VCF-style: chrX-119005525-G-C.
Other names: short protein forms L18V.
Identifiers: ClinVar variation 3789499 (VCV003789499.2).